The following is an entry in ClinVar:

ClinVar aggregate classification (germline): Uncertain significance (1 of 4 stars; one submission).

Conditions:
Hereditary cancer-predisposing syndrome. Also called: Hereditary neoplastic syndrome; Neoplastic Syndromes, Hereditary; Tumor predisposition; Hereditary Cancer Syndrome. Identifiers: Orphanet 140162, MedGen C0027672, MeSH D009386, MONDO:0015356.

Submission:

Ambry Genetics
Classification: Uncertain significance for Hereditary cancer-predisposing syndrome. Last evaluated: 2025-08-27. Review status: criteria provided, single submitter. Criteria: Ambry Variant Classification Scheme 2023. Collection method: clinical testing. Allele origin: germline.
Comment: The p.L305Q variant (also known as c.914T>A), located in coding exon 10 of the MUTYH gene, results from a T to A substitution at nucleotide position 914. The leucine at codon 305 is replaced by glutamine, an amino acid with dissimilar properties. This amino acid position is conserved. In addition, the in silico prediction for this alteration is inconclusive. Based on the available evidence, the clinical significance of this variant remains unclear.

NM_001048174.2(MUTYH):c.830T>A (p.Leu277Gln)

Gene: MUTYH (mutY DNA glycosylase; minus strand). Cytogenetic location: 1p34.1.
Variant type: single nucleotide variant.
Coding change: c.830T>A on transcript NM_001048174.2 (MANE Select); coding-DNA position 830, T replaced by A.
Protein change: p.Leu277Gln; replaces leucine 277 with glutamine.
Molecular consequence: missense variant. On other transcripts: non-coding transcript variant (7).
Genome position (GRCh38, 1-based): chr1:45,332,185, A>T on the plus strand (T>A on the coding strand, the complement: MUTYH is on the minus strand). VCF-style: chr1-45332185-A-T. GRCh37 (hg19) VCF-style: chr1-45797857-A-T.
Other names: c.830T>A, p.Leu277Gln (NM_001048171.2, NM_001048173.2, NM_001407070.1 and 6 more transcripts); c.833T>A, p.Leu278Gln (NM_001048172.2, NM_001407071.1, NM_001407078.1 and 1 more transcripts); c.485T>A, p.Leu162Gln (NM_001350651.2, NM_001350650.2, NM_001407082.1); c.863T>A, p.Leu288Gln (NM_001407069.1, NM_001407077.1, NM_001293191.2); c.746T>A, p.Leu249Gln (NM_001407075.1); c.791T>A, p.Leu264Gln (NM_001407079.1); c.554T>A, p.Leu185Gln (NM_001407091.1, NM_001293192.2, NM_001293196.2); c.905T>A, p.Leu302Gln (NM_012222.3); and 5 more; short protein forms L185Q, L264Q, L277Q, L278Q, L305Q, L263Q, L292Q, L302Q.
Identifiers: ClinVar variation 4113903 (VCV004113903.1).